The following is an entry in ClinVar:

ClinVar aggregate classification (germline): Uncertain significance (1 of 4 stars; one submission).

gnomAD v4.1: 2 of 1,509,322 alleles (0.00013%); highest among the groups gnomAD compares: African/African-American, 0.0014%; no homozygotes.

Submission:

Labcorp Genetics (formerly Invitae), Labcorp
Classification: Uncertain significance. Last evaluated: 2024-07-06. Review status: criteria provided, single submitter. Criteria: Invitae Variant Classification Sherloc (09022015). Collection method: clinical testing. Allele origin: germline.
Comment: This sequence change replaces alanine, which is neutral and non-polar, with valine, which is neutral and non-polar, at codon 197 of the ADCY5 protein (p.Ala197Val). The frequency data for this variant in the population databases is considered unreliable, as metrics indicate poor data quality at this position in the gnomAD database. This variant has not been reported in the literature in individuals affected with ADCY5-related conditions. Advanced modeling of protein sequence and biophysical properties (such as structural, functional, and spatial information, amino acid conservation, physicochemical variation, residue mobility, and thermodynamic stability) performed at Invitae indicates that this missense variant is not expected to disrupt ADCY5 protein function with a negative predictive value of 95%. In summary, the available evidence is currently insufficient to determine the role of this variant in disease. Therefore, it has been classified as a Variant of Uncertain Significance.

NM_183357.3(ADCY5):c.590C>T (p.Ala197Val)

Gene: ADCY5 (adenylate cyclase 5; minus strand). Cytogenetic location: 3q21.1.
Variant type: single nucleotide variant.
Coding change: c.590C>T on transcript NM_183357.3 (MANE Select); coding-DNA position 590, C replaced by T.
Protein change: p.Ala197Val; replaces alanine 197 with valine.
Molecular consequence: missense variant.
Genome position (GRCh38, 1-based): chr3:123,447,956, G>A on the plus strand (C>T on the coding strand, the complement: ADCY5 is on the minus strand). VCF-style: chr3-123447956-G-A. GRCh37 (hg19) VCF-style: chr3-123166803-G-A.
Other names: c.590C>T, p.Ala197Val (NM_001378259.1); short protein forms A197V.
Identifiers: ClinVar variation 3702042 (VCV003702042.2).